The following is an entry in ClinVar:

NM_003265.3(TLR3):c.1261A>G (p.Lys421Glu)

Gene: TLR3 (toll like receptor 3; plus strand). Cytogenetic location: 4q35.1.
Variant type: single nucleotide variant.
Coding change: c.1261A>G on transcript NM_003265.3 (MANE Select); coding-DNA position 1261, A replaced by G.
Protein change: p.Lys421Glu; replaces lysine 421 with glutamic acid.
Molecular consequence: missense variant.
Genome position (GRCh38, 1-based): chr4:186,082,947, A>G. VCF-style: chr4-186082947-A-G. GRCh37 (hg19) VCF-style: chr4-187004101-A-G.
Other names: short protein forms K421E.
Identifiers: ClinVar variation 3003500 (VCV003003500.3), dbSNP rs765876312, ClinGen allele CA3161384.

ClinVar aggregate classification (germline): Uncertain significance (1 of 4 stars; one submission).

Conditions:
Encephalopathy, acute, infection-induced (herpes-specific), susceptibility to, 1. Also called: Herpes simplex encephalitis, susceptibility to, 1. Identifiers: Orphanet 1930, MedGen C2750180, MONDO:0024563, OMIM 610551.

Allele frequency attached by ClinVar (database versions not stated): ExAC 0.00001; gnomAD 0.00001; gnomAD exomes 0.00001; TOPMed 0.00002.
gnomAD v4.1: 14 of 1,614,096 alleles (0.00087%); highest among the groups gnomAD compares: Non-Finnish European, 0.001%; no homozygotes.

Submission:

Labcorp Genetics (formerly Invitae), Labcorp
Classification: Uncertain significance for Encephalopathy, acute, infection-induced (herpes-specific), susceptibility to, 1. Last evaluated: 2023-04-17. Review status: criteria provided, single submitter. Criteria: Invitae Variant Classification Sherloc (09022015). Collection method: clinical testing. Allele origin: germline.
Comment: In summary, the available evidence is currently insufficient to determine the role of this variant in disease. Therefore, it has been classified as a Variant of Uncertain Significance. An algorithm developed to predict the effect of missense changes on protein structure and function (PolyPhen-2) suggests that this variant is likely to be tolerated. This variant has not been reported in the literature in individuals affected with TLR3-related conditions. This variant is present in population databases (rs765876312, gnomAD 0.0009%). This sequence change replaces lysine, which is basic and polar, with glutamic acid, which is acidic and polar, at codon 421 of the TLR3 protein (p.Lys421Glu).